The following is an entry in ClinVar:

NM_052867.4(NALCN):c.2675T>A (p.Met892Lys)

Gene: NALCN (sodium leak channel, non-selective; minus strand). Cytogenetic location: 13q33.1.
Variant type: single nucleotide variant.
Coding change: c.2675T>A on transcript NM_052867.4 (MANE Select); coding-DNA position 2675, T replaced by A.
Protein change: p.Met892Lys; replaces methionine 892 with lysine.
Molecular consequence: missense variant.
Genome position (GRCh38, 1-based): chr13:101,104,612, A>T on the plus strand (T>A on the coding strand, the complement: NALCN is on the minus strand). VCF-style: chr13-101104612-A-T. GRCh37 (hg19) VCF-style: chr13-101756963-A-T.
Other names: c.2762T>A, p.Met921Lys (NM_001350748.2); c.2675T>A, p.Met892Lys (NM_001350749.2); c.2588T>A, p.Met863Lys (NM_001350750.2, NM_001350751.2); short protein forms M863K, M892K, M921K.
Identifiers: ClinVar variation 1314964 (VCV001314964.2), dbSNP rs2139616138, ClinGen allele CA388669976.

ClinVar aggregate classification (germline): Uncertain significance (1 of 4 stars; one submission).

Submission:

GeneDx
Classification: Uncertain significance. Last evaluated: 2021-10-18. Review status: criteria provided, single submitter. Criteria: GeneDx Variant Classification Process June 2021. Collection method: clinical testing. Allele origin: germline. Affected: yes.
Comment: Not observed in large population cohorts (Lek et al., 2016); In silico analysis supports that this missense variant has a deleterious effect on protein structure/function; Has not been previously published as pathogenic or benign to our knowledge